The following is an entry in ClinVar:

NM_001127222.2(CACNA1A):c.6079A>G (p.Ser2027Gly)

Gene: CACNA1A (calcium voltage-gated channel subunit alpha1 A; minus strand). Cytogenetic location: 19p13.13.
Variant type: single nucleotide variant.
Coding change: c.6079A>G on transcript NM_001127222.2 (MANE Select); coding-DNA position 6079, A replaced by G.
Protein change: p.Ser2027Gly; replaces serine 2027 with glycine.
Molecular consequence: missense variant.
Genome position (GRCh38, 1-based): chr19:13,212,494, T>C on the plus strand (A>G on the coding strand, the complement: CACNA1A is on the minus strand). VCF-style: chr19-13212494-T-C. GRCh37 (hg19) VCF-style: chr19-13323308-T-C.
Other names: c.6097A>G, p.Ser2033Gly (NM_000068.4, NM_023035.3); c.6082A>G, p.Ser2028Gly (NM_001127221.2); c.6088A>G, p.Ser2030Gly (NM_001174080.2); short protein forms S2028G, S2033G, S2027G, S2030G.
Identifiers: ClinVar variation 934729 (VCV000934729.12), dbSNP rs2054851950, ClinGen allele CA404333056.
Genomic context (GRCh38, chr19:13,212,494, plus strand): 5'-GACTCCATGTGCCCGTCTTCTGGAACATCTCCTGGGCACGCTGGGTCACCCAGGACGGGC[T>C]CTCCTTGAGGCCGCTTTCGTGAGCCATCCTGCATGGGGGACAGAGGCCGGGGTAGCAGTG-3'
Protein context (NP_001120694.1, residues 2017-2037): LMAHESGLKE[Ser2027Gly]PSWVTQRAQE

ClinVar aggregate classification (germline): Uncertain significance. Review status: criteria provided, multiple submitters, no conflicts (2 of 4 stars). 3 submissions from 3 submitters: Uncertain significance (3). Last evaluated 2024-11-19.

Conditions:
Developmental and epileptic encephalopathy, 42 (DEE42A). Also called: DEVELOPMENTAL AND EPILEPTIC ENCEPHALOPATHY 42A; EPILEPTIC ENCEPHALOPATHY, EARLY INFANTILE, 42A; Epileptic encephalopathy, early infantile, 42. Identifiers: MedGen C4310716, MONDO:0014917, OMIM 617106.
Episodic ataxia type 2 (EA2). Also called: CEREBELLAR ATAXIA, PAROXYSMAL, ACETAZOLAMIDE-RESPONSIVE; CEREBELLOPATHY, HEREDITARY PAROXYSMAL; EPISODIC ATAXIA, NYSTAGMUS-ASSOCIATED; ACETAZOLAMIDE-RESPONSIVE HEREDITARY PAROXYSMAL CEREBELLAR ATAXIA; ATAXIA, EPISODIC, WITH NYSTAGMUS; ATAXIA, FAMILIAL PAROXYSMAL. Identifiers: Orphanet 97, MedGen C1720416, MONDO:0007163, OMIM 108500.
Inborn genetic diseases. Identifiers: MedGen C0950123, MeSH D030342.

Allele frequency attached by ClinVar (database versions not stated): gnomAD exomes 0.00001.
gnomAD v4.1: 10 of 1,586,780 alleles (0.00063%); highest among the groups gnomAD compares: Non-Finnish European, 0.00086%; no homozygotes.

Submissions (3):

Ambry Genetics
Classification: Uncertain significance for Inborn genetic diseases. Last evaluated: 2024-11-19. Review status: criteria provided, single submitter. Criteria: Ambry Variant Classification Scheme 2023. Collection method: clinical testing. Allele origin: germline.

GeneDx
Classification: Uncertain significance. Last evaluated: 2024-05-02. Review status: criteria provided, single submitter. Criteria: GeneDx Variant Classification Process June 2021. Collection method: clinical testing. Allele origin: germline. Affected: yes.
Comment: Not observed at significant frequency in large population cohorts (gnomAD); In silico analysis supports that this missense variant has a deleterious effect on protein structure/function; Has not been previously published as pathogenic or benign to our knowledge

Labcorp Genetics (formerly Invitae), Labcorp
Classification: Uncertain significance for Developmental and epileptic encephalopathy, 42; Episodic ataxia type 2. Last evaluated: 2024-02-17. Review status: criteria provided, single submitter. Criteria: Invitae Variant Classification Sherloc (09022015). Collection method: clinical testing. Allele origin: germline.
Comment: This sequence change replaces serine, which is neutral and polar, with glycine, which is neutral and non-polar, at codon 2028 of the CACNA1A protein (p.Ser2028Gly). This variant is not present in population databases (gnomAD no frequency). This variant has not been reported in the literature in individuals affected with CACNA1A-related conditions. ClinVar contains an entry for this variant (Variation ID: 934729). Advanced modeling of protein sequence and biophysical properties (such as structural, functional, and spatial information, amino acid conservation, physicochemical variation, residue mobility, and thermodynamic stability) has been performed at Invitae for this missense variant, however the output from this modeling did not meet the statistical confidence thresholds required to predict the impact of this variant on CACNA1A protein function. In summary, the available evidence is currently insufficient to determine the role of this variant in disease. Therefore, it has been classified as a Variant of Uncertain Significance.